The following is an entry in ClinVar:

ClinVar aggregate classification (germline): Likely benign (1 of 4 stars; one submission).

Conditions:
CREBBP-related disorder. Also called: CREBBP-related disorders; CREBBP-related condition.

gnomAD v4.1: 2 of 1,614,208 alleles (0.00012%); highest among the groups gnomAD compares: Non-Finnish European, 0.00017%; no homozygotes.

Submission:

PreventionGenetics, part of Exact Sciences
Classification: Likely benign for CREBBP-related condition. Last evaluated: 2025-01-09. Review status: criteria provided, single submitter. Criteria: ACMG Guidelines, 2015. Collection method: clinical testing. Allele origin: germline.
Comment: This variant is classified as likely benign based on ACMG/AMP sequence variant interpretation guidelines (Richards et al. 2015 PMID: 25741868, with internal and published modifications).

NM_004380.3(CREBBP):c.2883T>C (p.Leu961=)

Gene: CREBBP (CREB binding lysine acetyltransferase; minus strand). Cytogenetic location: 16p13.3.
Variant type: single nucleotide variant.
Coding change: c.2883T>C on transcript NM_004380.3 (MANE Select); coding-DNA position 2883, T replaced by C.
Protein change: p.Leu961=; no amino-acid change (leucine 961 retained).
Molecular consequence: synonymous variant.
Genome position (GRCh38, 1-based): chr16:3,769,351, A>G on the plus strand (T>C on the coding strand, the complement: CREBBP is on the minus strand). VCF-style: chr16-3769351-A-G. GRCh37 (hg19) VCF-style: chr16-3819352-A-G.
Other names: c.2769T>C, p.Leu923= (NM_001079846.1).
Identifiers: ClinVar variation 4986347 (VCV004986347.1).